The following is an entry in ClinVar:

NM_145038.5(DRC1):c.109dup (p.Gln37fs)

Gene: DRC1 (dynein regulatory complex subunit 1; plus strand). Cytogenetic location: 2p23.3.
Variant type: Duplication.
Coding change: c.109dup on transcript NM_145038.5 (MANE Select); coding-DNA position 109, one base duplicated (C; older notation c.109dupC).
Protein change: p.Gln37fs; shifts the reading frame from glutamine 37.
Molecular consequence: frameshift variant.
Genome position (GRCh38, 1-based): chr2:26,402,098, C duplicated; the last of 2 consecutive C bases (chr2:26,402,097-26,402,098); duplicating either gives the same sequence. VCF-style (leftmost placement, unchanged base first): chr2-26402096-T-TC. GRCh37 (hg19) VCF-style: chr2-26624964-T-TC.
Other names: c.109dup (NM_145038.3); c.109dupC (NM_145038.4); short protein forms Q37fs.
Identifiers: ClinVar variation 663966 (VCV000663966.20), dbSNP rs750136163, ClinGen allele CA1561747.
Genomic context (GRCh38, chr2:26,402,096, plus strand): 5'-AGCACTTGTCCACCCAGATTCTCGCGCCCTCGGTCCACTCCGACAACTCTCAGGAGCGCA[T>TC]CCAGGCCCGGCGCCTCCGCATCGCTGCGCGCTTAGAAGCCCGGAGGCGGTGAGCGCGGGG-3'

ClinVar aggregate classification (germline): Pathogenic/Likely pathogenic. Review status: criteria provided, multiple submitters, no conflicts (2 of 4 stars). 8 submissions from 8 submitters: Pathogenic (4); Likely pathogenic (4). Last evaluated 2026-03-01.

Conditions:
DRC1-related disorders.
Primary ciliary dyskinesia 21. Also called: CILIARY DYSKINESIA, PRIMARY, 21, WITHOUT SITUS INVERSUS. Identifiers: Orphanet 244, MedGen C3809087, MONDO:0014123, OMIM 615294.
Primary ciliary dyskinesia. Also called: Ciliary dyskinesia. Identifiers: Orphanet 244, MedGen C0008780, MONDO:0016575, HP:0012265.

Submissions (8):

CeGaT Center for Human Genetics Tuebingen
Classification: Pathogenic. Last evaluated: 2026-03-01. Review status: criteria provided, single submitter. Criteria: CeGaT Center For Human Genetics Tuebingen Variant Classification Criteria Version 2. Collection method: clinical testing. Allele origin: germline. Affected: yes. Observed: 1 variant allele.
Comment: DRC1: PVS1, PM2, PM3

Dasa
Classification: Likely pathogenic. Last evaluated: 2026-02-10. Review status: criteria provided, single submitter. Criteria: DASA Assertion Criteria. Collection method: clinical testing. Allele origin: germline.
Comment: NM_145038.5(DRC1):c.109dup (p.Gln37Profs*30) is a frameshift variant in DRC1 predicted to alter the reading frame and introduce a premature termination codon and is predicted to result in an absent or altered protein product. Loss of function is an established disease mechanism for DRC1-associated disorders. Also, this variant is rare in population databases. Based on the currently available evidence, this variant is classified as likely pathogenic.

Labcorp Genetics (formerly Invitae), Labcorp
Classification: Pathogenic for Primary ciliary dyskinesia. Last evaluated: 2025-10-11. Review status: criteria provided, single submitter. Criteria: Invitae Variant Classification Sherloc (09022015). Collection method: clinical testing. Allele origin: germline.
Comment: This sequence change creates a premature translational stop signal (p.Gln37Profs*30) in the DRC1 gene. It is expected to result in an absent or disrupted protein product. Loss-of-function variants in DRC1 are known to be pathogenic (PMID: 23354437, 31960620). This variant is present in population databases (rs750136163, gnomAD 0.03%). This variant has not been reported in the literature in individuals affected with DRC1-related conditions. ClinVar contains an entry for this variant (Variation ID: 663966). For these reasons, this variant has been classified as Pathogenic.

Revvity Omics, Revvity
Classification: Pathogenic. Last evaluated: 2024-11-29. Review status: criteria provided, single submitter. Criteria: ACMG Guidelines, 2015. Collection method: clinical testing. Allele origin: germline.

Blueprint Genetics
Classification: Likely pathogenic for DRC1-related disorders. Last evaluated: 2024-10-14. Review status: criteria provided, single submitter. Criteria: ACMG Guidelines, 2015. Collection method: clinical testing. Allele origin: germline. Affected: yes. Observed: 5 variant alleles.

Johns Hopkins Genomics, Johns Hopkins University
Classification: Pathogenic for Primary ciliary dyskinesia 21. Last evaluated: 2022-09-22. Review status: criteria provided, single submitter. Criteria: ACMG Guidelines, 2015. Collection method: clinical testing. Allele origin: germline.
Comment: This DRC1 frameshift variant (rs750136163) is rare (<0.1%) in a large population dataset (gnomAD: 12/245970 total alleles; 0.0049%; no homozygotes). It has been reported in ClinVar (Variation ID 663966) but has not been reported in the literature, to our knowledge. This frameshift variant results in a premature stop codon in exon 2 of 17, likely leading to nonsense-mediated decay and lack of protein production. We consider c.109dupC in DRC1 to be pathogenic.

Fulgent Genetics
Classification: Likely pathogenic for Primary ciliary dyskinesia 21. Last evaluated: 2022-05-25. Review status: criteria provided, single submitter. Criteria: ACMG Guidelines, 2015. Collection method: clinical testing. Allele origin: unknown.

Department of Pathology and Laboratory Medicine, Sinai Health System
Classification: Likely pathogenic for Primary ciliary dyskinesia 21. Last evaluated: 2022-04-26. Review status: criteria provided, single submitter. Criteria: ACMG Guidelines, 2015. Collection method: research. Allele origin: germline.

Literature cited by the submitters: PubMed 23354437 (cited by Labcorp Genetics (formerly Invitae), Labcorp); PubMed 31960620 (cited by Labcorp Genetics (formerly Invitae), Labcorp).